The following is an entry in ClinVar:

ClinVar aggregate classification (germline): Uncertain significance (1 of 4 stars; one submission).

Submission:

Labcorp Genetics (formerly Invitae), Labcorp
Classification: Uncertain significance. Last evaluated: 2024-05-23. Review status: criteria provided, single submitter. Criteria: Invitae Variant Classification Sherloc (09022015). Collection method: clinical testing. Allele origin: germline.
Comment: This sequence change replaces glutamic acid, which is acidic and polar, with glutamine, which is neutral and polar, at codon 44 of the MBD4 protein (p.Glu44Gln). This variant is not present in population databases (gnomAD no frequency). This variant has not been reported in the literature in individuals affected with MBD4-related conditions. An algorithm developed to predict the effect of missense changes on protein structure and function (PolyPhen-2) suggests that this variant is likely to be disruptive. In summary, the available evidence is currently insufficient to determine the role of this variant in disease. Therefore, it has been classified as a Variant of Uncertain Significance.

NM_001276270.2(MBD4):c.130G>C (p.Glu44Gln)

Gene: MBD4 (methyl-CpG binding domain 4, DNA glycosylase; minus strand). Cytogenetic location: 3q21.3.
Variant type: single nucleotide variant.
Coding change: c.130G>C on transcript NM_001276270.2 (MANE Select); coding-DNA position 130, G replaced by C.
Protein change: p.Glu44Gln; replaces glutamic acid 44 with glutamine.
Molecular consequence: missense variant.
Genome position (GRCh38, 1-based): chr3:129,437,925, C>G on the plus strand (G>C on the coding strand, the complement: MBD4 is on the minus strand). VCF-style: chr3-129437925-C-G. GRCh37 (hg19) VCF-style: chr3-129156768-C-G.
Other names: c.130G>C, p.Glu44Gln (NM_001276273.2, NM_003925.3, NM_001276271.2 and 1 more transcripts); short protein forms E44Q.
Identifiers: ClinVar variation 3654338 (VCV003654338.2).
Genomic context (GRCh38, chr3:129,437,925, plus strand): 5'-AGGGATTACATTCACTGCTTCTTTTTATCATCATTTGTTCCTCATCTTCTCCCACTCTTT[C>G]CAATTCCATAGCAACATCTTCTTTGCTGGAAAAACAAAGTCTAAGTGATTAACTTATTTA-3'
Protein context (NP_001263199.1, residues 34-54): LRKEDVAMEL[Glu44Gln]RVGEDEEQMM